The following is an entry in ClinVar:

NM_000316.3(PTH1R):c.65C>T (p.Ala22Val)

Gene: PTH1R (parathyroid hormone 1 receptor; plus strand). Cytogenetic location: 3p21.31.
Variant type: single nucleotide variant.
Coding change: c.65C>T on transcript NM_000316.3 (MANE Select); coding-DNA position 65, C replaced by T.
Protein change: p.Ala22Val; replaces alanine 22 with valine.
Molecular consequence: missense variant.
Genome position (GRCh38, 1-based): chr3:46,883,624, C>T. VCF-style: chr3-46883624-C-T. GRCh37 (hg19) VCF-style: chr3-46925114-C-T.
Other names: c.65C>T, p.Ala22Val (NM_001184744.1); short protein forms A22V.
Identifiers: ClinVar variation 1359837 (VCV001359837.8), dbSNP rs2106957940, ClinGen allele CA352503096.

ClinVar aggregate classification (germline): Uncertain significance (1 of 4 stars; one submission).

Submission:

Labcorp Genetics (formerly Invitae), Labcorp
Classification: Uncertain significance. Last evaluated: 2022-08-15. Review status: criteria provided, single submitter. Criteria: Invitae Variant Classification Sherloc (09022015). Collection method: clinical testing. Allele origin: germline.
Comment: This sequence change replaces alanine, which is neutral and non-polar, with valine, which is neutral and non-polar, at codon 22 of the PTH1R protein (p.Ala22Val). This variant is not present in population databases (gnomAD no frequency). This missense change has been observed in individual(s) with primary failure of eruption (PMID: 29376733). In at least one individual the variant was observed to be de novo. ClinVar contains an entry for this variant (Variation ID: 1359837). Algorithms developed to predict the effect of missense changes on protein structure and function output the following: SIFT: "Tolerated"; PolyPhen-2: "Benign"; Align-GVGD: "Class C25". The valine amino acid residue is found in multiple mammalian species, which suggests that this missense change does not adversely affect protein function. In summary, the available evidence is currently insufficient to determine the role of this variant in disease. Therefore, it has been classified as a Variant of Uncertain Significance.

Literature cited by the submitters: PubMed 29376733.